The following is an entry in ClinVar:

NM_002397.5(MEF2C):c.592G>A (p.Gly198Ser)

Gene: MEF2C (myocyte enhancer factor 2C; minus strand). Cytogenetic location: 5q14.3.
Variant type: single nucleotide variant.
Coding change: c.592G>A on transcript NM_002397.5 (MANE Select); coding-DNA position 592, G replaced by A.
Protein change: p.Gly198Ser; replaces glycine 198 with serine.
Molecular consequence: missense variant.
Genome position (GRCh38, 1-based): chr5:88,749,115, C>T on the plus strand (G>A on the coding strand, the complement: MEF2C is on the minus strand). VCF-style: chr5-88749115-C-T. GRCh37 (hg19) VCF-style: chr5-88044932-C-T.
Other names: c.586G>A, p.Gly196Ser (NM_001131005.2, NM_001364343.2, NM_001364352.2); c.646G>A, p.Gly216Ser (NM_001193347.1, NM_001364338.2); c.448G>A, p.Gly150Ser (NM_001193348.1, NM_001193349.3, NM_001364332.2 and 3 more transcripts); c.592G>A, p.Gly198Ser (NM_001193350.2, NM_001308002.3, NM_001363581.2 and 18 more transcripts); c.214G>A, p.Gly72Ser (NM_001364353.2, NM_001364356.2); c.166G>A, p.Gly56Ser (NM_001364357.2); short protein forms G196S, G216S, G150S, G198S, G72S, G56S.
Identifiers: ClinVar variation 947248 (VCV000947248.10), dbSNP rs1029856807, ClinGen allele CA122610584.

ClinVar aggregate classification (germline): Uncertain significance (1 of 4 stars; one submission).

Conditions:
Neurodevelopmental disorder with hypotonia, stereotypic hand movements, and impaired language. Also called: Intellectual disability, autosomal dominant 20. Identifiers: Orphanet 228384, Orphanet 664410, MedGen C3150700, MONDO:0013266, OMIM 613443.

Allele frequency attached by ClinVar (database versions not stated): TOPMed 0.00001.

Submission:

Labcorp Genetics (formerly Invitae), Labcorp
Classification: Uncertain significance for Neurodevelopmental disorder with hypotonia, stereotypic hand movements, and impaired language. Last evaluated: 2024-12-12. Review status: criteria provided, single submitter. Criteria: Invitae Variant Classification Sherloc (09022015). Collection method: clinical testing. Allele origin: germline.
Comment: This sequence change replaces glycine, which is neutral and non-polar, with serine, which is neutral and polar, at codon 198 of the MEF2C protein (p.Gly198Ser). This variant is not present in population databases (gnomAD no frequency). This variant has not been reported in the literature in individuals affected with MEF2C-related conditions. ClinVar contains an entry for this variant (Variation ID: 947248). Invitae Evidence Modeling of protein sequence and biophysical properties (such as structural, functional, and spatial information, amino acid conservation, physicochemical variation, residue mobility, and thermodynamic stability) indicates that this missense variant is not expected to disrupt MEF2C protein function with a negative predictive value of 95%. In summary, the available evidence is currently insufficient to determine the role of this variant in disease. Therefore, it has been classified as a Variant of Uncertain Significance.